The following is an entry in ClinVar:

NM_007055.4(POLR3A):c.2227A>G (p.Thr743Ala)

Gene: POLR3A (RNA polymerase III subunit A; minus strand). Cytogenetic location: 10q22.3.
Variant type: single nucleotide variant.
Coding change: c.2227A>G on transcript NM_007055.4 (MANE Select); coding-DNA position 2227, A replaced by G.
Protein change: p.Thr743Ala; replaces threonine 743 with alanine.
Molecular consequence: missense variant.
Genome position (GRCh38, 1-based): chr10:78,004,736, T>C on the plus strand (A>G on the coding strand, the complement: POLR3A is on the minus strand). VCF-style: chr10-78004736-T-C. GRCh37 (hg19) VCF-style: chr10-79764494-T-C.
Other names: short protein forms T743A.
Identifiers: ClinVar variation 1369028 (VCV001369028.7), dbSNP rs2131945700, ClinGen allele CA377337911.
Genomic context (GRCh38, chr10:78,004,736, plus strand): 5'-CACGGCAAGTGGCGACCCTGAACCAAAGGGCCGGGCTCACCTCCAGGGTCTCCTCAGCAG[T>C]GCAGCCAGGCTGCTGCTGCAGCTTGCCCGTGTTCAGGGCTTCGATGTACTCATCACATTT-3'
Protein context (NP_008986.2, residues 733-753): TGKLQQQPGC[Thr743Ala]AEETLEALIL

ClinVar aggregate classification (germline): Uncertain significance. Review status: criteria provided, multiple submitters, no conflicts (2 of 4 stars). 2 submissions from 2 submitters: Uncertain significance (2). Last evaluated 2026-08-06.

Submissions (2):

OLLIN Analises Genomicas, OLLIN
Classification: Uncertain significance. Last evaluated: 2026-08-06. Review status: criteria provided, single submitter. Criteria: ACMG Guidelines 2015 PMID 25741868. Collection method: clinical testing. Allele origin: germline.
Comment: This missense variant, located in exon 16 (of 31), is absent from gnomAD and has not been identified in the literature. However, it has been reported in ClinVar (accession VCV001369028.6). In silico analysis is inconclusive regarding the impact of this variant. According to the currently available evidence, this variant has been classified as uncertain significance (PM2_P).

Labcorp Genetics (formerly Invitae), Labcorp
Classification: Uncertain significance. Last evaluated: 2021-12-02. Review status: criteria provided, single submitter. Criteria: Invitae Variant Classification Sherloc (09022015). Collection method: clinical testing. Allele origin: germline.
Comment: In summary, the available evidence is currently insufficient to determine the role of this variant in disease. Therefore, it has been classified as a Variant of Uncertain Significance. This sequence change replaces threonine, which is neutral and polar, with alanine, which is neutral and non-polar, at codon 743 of the POLR3A protein (p.Thr743Ala). This variant is not present in population databases (gnomAD no frequency). This variant has not been reported in the literature in individuals affected with POLR3A-related conditions. Algorithms developed to predict the effect of missense changes on protein structure and function are either unavailable or do not agree on the potential impact of this missense change (SIFT: "Deleterious"; PolyPhen-2: "Benign"; Align-GVGD: "Class C0").